The following is an entry in ClinVar:

ClinVar aggregate classification (germline): Conflicting classifications of pathogenicity. Review status: criteria provided, conflicting classifications (1 of 4 stars). 9 submissions from 9 submitters: Uncertain significance (2); Benign (2); Likely benign (2). 3 of the submissions do not count toward it. Last evaluated 2026-01-26.

Conditions:
Severe early-childhood-onset retinal dystrophy (STGD1). Also called: MACULAR DYSTROPHY WITH FLECKS, TYPE 1; STGD; Stargardt macular dystrophy; Juvenile onset macular degeneration; Stargardt disease 1. Identifiers: Orphanet 364055, Orphanet 827, MedGen C1855465, MeSH D000080362, MONDO:0009549, OMIM 248200.
Achromatopsia 3 (ACHM3). Also called: PINGELAPESE BLINDNESS; TOTAL COLORBLINDNESS WITH MYOPIA; ROD MONOCHROMACY 1; ROD MONOCHROMATISM 1; ACHROMATOPSIA WITH MYOPIA. Identifiers: Orphanet 49382, MedGen C1849792, MONDO:0009875, OMIM 262300.
Achromatopsia. Also called: Rod monochromatism. Identifiers: Orphanet 49382, MedGen C0152200, MONDO:0018852, HP:0011516.

Submissions (9):

Labcorp Genetics (formerly Invitae), Labcorp
Classification: Benign. Last evaluated: 2026-01-26. Review status: criteria provided, single submitter. Criteria: Invitae Variant Classification Sherloc (09022015). Collection method: clinical testing. Allele origin: germline.

Women's Health and Genetics/Laboratory Corporation of America, LabCorp
Classification: Benign. Last evaluated: 2025-02-27. Review status: criteria provided, single submitter. Criteria: LabCorp Variant Classification Summary - May 2015. Collection method: clinical testing. Allele origin: germline.
Comment: Variant summary: CNGB3 c.2179_2199del21 (p.Gln727_Lys733del) results in an in-frame deletion that is predicted to remove 7 amino acids from the encoded protein. The variant allele was found at a frequency of 0.00082 in 249196 control chromosomes, predominantly at a frequency of 0.0084 within the African or African-American subpopulation in the gnomAD database. The observed variant frequency within African or African-American control individuals in the gnomAD database is approximately 1.7 fold of the estimated maximal expected allele frequency for a pathogenic variant in CNGB3 causing Achromatopsia phenotype (0.005). c.2179_2199del21 has been reported in the literature in individuals affected with Achromatopsia. These report(s) do not provide unequivocal conclusions about association of the variant with Achromatopsia. To our knowledge, no experimental evidence demonstrating an impact on protein function has been reported. ClinVar contains an entry for this variant (Variation ID: 624336). Based on the evidence outlined above, the variant was classified as benign.

GeneDx
Classification: Uncertain significance. Last evaluated: 2025-02-12. Review status: criteria provided, single submitter. Criteria: GeneDx Variant Classification Process June 2021. Collection method: clinical testing. Allele origin: germline. Affected: yes.
Comment: In-frame deletion of 7 amino acids in a non-repeat region; In silico analysis supports a deleterious effect on protein structure/function; Has not been previously published as pathogenic or benign to our knowledge

Blueprint Genetics
Classification: Likely benign. Last evaluated: 2024-11-22. Review status: criteria provided, single submitter. Criteria: ACMG Guidelines, 2015. Collection method: clinical testing. Allele origin: germline.

Myriad Genetics, Inc.
Classification: Uncertain significance for Achromatopsia 3. Last evaluated: 2021-11-08. Review status: criteria provided, single submitter. Criteria: Myriad Women's Health Autosomal Recessive and X-Linked Classification Criteria (2021). Collection method: clinical testing. Allele origin: unknown.
Comment: NM_019098.4(CNGB3):c.2179_2199del21(Q727_K733del) is an in-frame deletion classified as a variant of uncertain significance in the context of CNGB3-related achromatopsia. Q727_K733del has been observed in cases with relevant disease (PMID:15657609, 27628848). Functional assessments of this variant are not available in the literature. Q727_K733del has been observed in population frequency databases (gnomAD: AFR 0.85%). In summary, there is insufficient evidence to classify NM_019098.4(CNGB3):c.2179_2199del21(Q727_K733del) as pathogenic or benign. Please note: this variant was assessed in the context of healthy population screening.

CeGaT Center for Human Genetics Tuebingen
Classification: Likely benign. Last evaluated: 2019-09-01. Review status: criteria provided, single submitter. Criteria: CeGaT Center For Human Genetics Tuebingen Variant Classification Criteria Version 2. Collection method: clinical testing. Allele origin: germline. Affected: yes. Observed: 2 variant alleles.

Natera, Inc.
Classification: Benign for Achromatopsia. Last evaluated: 2020-09-16. Review status: no assertion criteria provided. Collection method: clinical testing. Allele origin: germline. Not counted in ClinVar's aggregate classification.

Department of Pathology and Laboratory Medicine, Sinai Health System
Classification: Uncertain significance. Review status: no assertion criteria provided. Collection method: clinical testing. Allele origin: unknown. Affected: yes. Study: The Canadian Open Genetics Repository (COGR). Not counted in ClinVar's aggregate classification.
Comment: The CNGB3 p.Gln727_Lys733del variant was identified in 1 of 972 (frequency: 0.001) proband chromosomes from individuals with retinal dystrophy (Sergouniotis_2016_PMID:27628848). The variant was identified in dbSNP (ID: rs746549330; rs377050872) and ClinVar (classified as benign by Invitae and as uncertain significance by CeGaT Praxis fuer Humangenetik Tuebingen). The variant was identified in control databases in 293 of 280558 chromosomes (1 homozygous) at a frequency of 0.001044 increasing the likelihood this could be a low frequency benign variant (Genome Aggregation Database March 6, 2019, v2.1.1). The variant was observed in the following populations: African in 219 of 24932 chromosomes (freq: 0.008784), East Asian in 18 of 19764 chromosomes (freq: 0.000911), Latino in 20 of 35110 chromosomes (freq: 0.00057), Other in 3 of 7154 chromosomes (freq: 0.000419), South Asian in 10 of 30168 chromosomes (freq: 0.000332) and European (non-Finnish) in 23 of 128060 chromosomes (freq: 0.00018), but was not observed in the Ashkenazi Jewish or European (Finnish) populations. This variant is an in-frame deletion resulting in the removal of residues 727 to 733; the impact of this alteration on CNGB3 protein function is not known. The variant occurs outside of the splicing consensus sequence and in silico or computational prediction software programs (SpliceSiteFinder, MaxEntScan, NNSPLICE, GeneSplicer) do not predict a difference in splicing. In summary, based on the above information the clinical significance of this variant cannot be determined with certainty at this time. This variant is classified as a variant of uncertain significance.

Bioscientia Institut fuer Medizinische Diagnostik GmbH, Sonic Healthcare
Classification: Likely pathogenic for Severe early-childhood-onset retinal dystrophy. Last evaluated: 2019-10-21. Review status: flagged submission. Collection method: clinical testing. Allele origin: germline. Affected: yes. Not counted in ClinVar's aggregate classification.
ClinVar note: Reason: Outlier claim with insufficient supporting evidence

Literature cited by the submitters: PubMed 15657609 (cited by Women's Health and Genetics/Laboratory Corporation of America, LabCorp and Myriad Genetics, Inc.); PubMed 27628848 (cited by Myriad Genetics, Inc.).

NM_019098.5(CNGB3):c.2158CAAAAAGAAAATGAAGATAAA[1] (p.720QKENEDK[1])

Gene: CNGB3 (cyclic nucleotide gated channel subunit beta 3; minus strand). Cytogenetic location: 8q21.3.
Variant type: Microsatellite.
Coding change: c.2158CAAAAAGAAAATGAAGATAAA[1] on transcript NM_019098.5 (MANE Select); one copy of the 21-base unit CAAAAAGAAAATGAAGATAAA starting at c.2158; the reference has two copies in a row; one copy, 21 bases deleted; also written c.2179_2199del.
Protein change: p.720QKENEDK[1].
Molecular consequence: inframe deletion.
Genome position (GRCh38, 1-based): chr8:86,576,035-86,576,055, TTTATCTTCATTTTCTTTTTG deleted on the plus strand (CAAAAAGAAAATGAAGATAAA on the coding strand, the reverse complement: CNGB3 is on the minus strand); deleting any 21 consecutive bases within chr8:86,576,035-86,576,095 gives the same sequence; the position shown is the placement nearest the transcript's 3' end. VCF-style (leftmost placement, unchanged base first): chr8-86576034-CTTTATCTTCATTTTCTTTTTG-C. GRCh37 (hg19) VCF-style: chr8-87588262-CTTTATCTTCATTTTCTTTTTG-C.
Other names: c.2179_2199del (NM_019098.4); c.2179_2199del21 (NM_019098.5).
Identifiers: ClinVar variation 624336 (VCV000624336.63), dbSNP rs746549330, ClinGen allele CA4799775.